The following is an entry in ClinVar:

ClinVar aggregate classification (germline): Benign (1 of 4 stars; one submission).

Allele frequency attached by ClinVar (database versions not stated): gnomAD exomes 0.00373 and 0.00960; ExAC 0.01154; gnomAD 0.03885 and 0.04173; ESP Exome Variant Server 0.04007; 1000 Genomes Project 0.04153; TOPMed 0.04305; 1000 Genomes Project 30x 0.04591.
gnomAD v4.1: 11,474 of 1,593,992 alleles (0.72%); highest among the groups gnomAD compares: African/African-American, 14%; 769 homozygotes.

Submission:

GeneDx
Classification: Benign. Last evaluated: 2018-06-16. Review status: criteria provided, single submitter. Criteria: GeneDx Variant Classification (06012015). Collection method: clinical testing. Allele origin: germline. Affected: yes.
Comment: This variant is considered likely benign or benign based on one or more of the following criteria: it is a conservative change, it occurs at a poorly conserved position in the protein, it is predicted to be benign by multiple in silico algorithms, and/or has population frequency not consistent with disease.

NM_001195518.2(MICU1):c.1271-40G>A

Gene: MICU1 (mitochondrial calcium uptake 1; minus strand). Cytogenetic location: 10q22.1.
Variant type: single nucleotide variant.
Coding change: c.1271-40G>A on transcript NM_001195518.2 (MANE Select); 40 bases into the intron before coding-DNA position 1271, G replaced by A.
Molecular consequence: intron variant.
Genome position (GRCh38, 1-based): chr10:72,368,395, C>T on the plus strand (G>A on the coding strand, the complement: MICU1 is on the minus strand). VCF-style: chr10-72368395-C-T. GRCh37 (hg19) VCF-style: chr10-74128153-C-T.
Other names: c.1277-40G>A (NM_006077.4); c.1289-40G>A (NM_001363513.2); c.677-40G>A (NM_001195519.2).
Identifiers: ClinVar variation 675561 (VCV000675561.1), dbSNP rs56957879, ClinGen allele CA5550007.